The following is an entry in ClinVar:

ClinVar aggregate classification (germline): Uncertain significance (1 of 4 stars; one submission).

Submission:

Labcorp Genetics (formerly Invitae), Labcorp
Classification: Uncertain significance. Last evaluated: 2024-12-02. Review status: criteria provided, single submitter. Criteria: Invitae Variant Classification Sherloc (09022015). Collection method: clinical testing. Allele origin: germline.
Comment: This sequence change replaces aspartic acid, which is acidic and polar, with asparagine, which is neutral and polar, at codon 1065 of the POLA1 protein (p.Asp1065Asn). This variant is not present in population databases (gnomAD no frequency). This variant has not been reported in the literature in individuals affected with POLA1-related conditions. ClinVar contains an entry for this variant (Variation ID: 1409679). Invitae Evidence Modeling of protein sequence and biophysical properties (such as structural, functional, and spatial information, amino acid conservation, physicochemical variation, residue mobility, and thermodynamic stability) indicates that this missense variant is not expected to disrupt POLA1 protein function with a negative predictive value of 80%. In summary, the available evidence is currently insufficient to determine the role of this variant in disease. Therefore, it has been classified as a Variant of Uncertain Significance.

NM_001330360.2(POLA1):c.3211G>A (p.Asp1071Asn)

Gene: POLA1 (DNA polymerase alpha 1, catalytic subunit; plus strand). Cytogenetic location: Xp22.11.
Variant type: single nucleotide variant.
Coding change: c.3211G>A on transcript NM_001330360.2 (MANE Select); coding-DNA position 3211, G replaced by A.
Protein change: p.Asp1071Asn; replaces aspartic acid 1071 with asparagine.
Molecular consequence: missense variant. On other transcripts: non-coding transcript variant (2).
Genome position (GRCh38, 1-based): chrX:24,812,778, G>A. VCF-style: chrX-24812778-G-A. GRCh37 (hg19) VCF-style: chrX-24830895-G-A.
Other names: c.3136G>A, p.Asp1046Asn (NM_001378303.1); c.3193G>A, p.Asp1065Asn (NM_016937.4); short protein forms D1071N, D1046N, D1065N.
Identifiers: ClinVar variation 1409679 (VCV001409679.8), dbSNP rs2148498703, ClinGen allele CA412525421.